The following is an entry in ClinVar:

ClinVar aggregate classification (germline): Pathogenic (1 of 4 stars; one submission).

Conditions:
Capillary malformation-arteriovenous malformation 1 (CMAVM1). Identifiers: Orphanet 137667, Orphanet 693907, MedGen C4747394, MONDO:0020783, OMIM 608354.

Submission:

Seattle Children's Hospital Molecular Genetics Laboratory, Seattle Children's Hospital
Classification: Pathogenic for Capillary malformation-arteriovenous malformation 1. Review status: criteria provided, single submitter. Criteria: ACMG Guidelines, 2015. Collection method: clinical testing. Allele origin: germline. Affected: yes.
Comment: The c.1050-1G>A variant is expected to result in loss of a splice acceptor and lead to loss-of-function of the RASA1 protein (PMID: 30661751). This variant has not been observed in the literature among individuals with RASA1-related disorders, although loss-of-function of RASA1 is an established pathogenic mechanism for RASA1-related disorders (PMID: 31300548 and others).

NM_002890.3(RASA1):c.1050-1G>A

Genes: CCNH (cyclin H; minus strand), RASA1 (RAS p21 protein activator 1; plus strand). Cytogenetic location: 5q14.3.
Variant type: single nucleotide variant.
Coding change: c.1050-1G>A on transcript NM_002890.3 (MANE Select); the canonical splice acceptor site of the intron before coding-DNA position 1050, G replaced by A.
Molecular consequence: splice acceptor variant. On other transcripts: intron variant (1).
Genome position (GRCh38, 1-based): chr5:87,346,671, G>A. VCF-style: chr5-87346671-G-A. GRCh37 (hg19) VCF-style: chr5-86642488-G-A.
Other names: c.519-1G>A (NM_022650.3); c.934-33876C>T (NM_001364075.2).
Identifiers: ClinVar variation 3340430 (VCV003340430.1).